The following is an entry in ClinVar:

ClinVar aggregate classification (germline): Uncertain significance (1 of 4 stars; one submission).

Conditions:
Developmental and epileptic encephalopathy, 5 (DEE5). Identifiers: Orphanet 3451, MedGen C3150731, MONDO:0013277, OMIM 613477.

Submission:

Baylor Genetics
Classification: Uncertain significance for Developmental and epileptic encephalopathy, 5. Last evaluated: 2018-01-26. Review status: criteria provided, single submitter. Criteria: ACMG Guidelines, 2015. Collection method: clinical testing. Allele origin: maternal. Affected: yes.
Comment: This variant was determined to be of uncertain significance according to ACMG Guidelines, 2015 [PMID:25741868].

NM_001130438.3(SPTAN1):c.2422G>T (p.Ala808Ser)

Gene: SPTAN1 (spectrin alpha, non-erythrocytic 1; plus strand). Cytogenetic location: 9q34.11.
Variant type: single nucleotide variant.
Coding change: c.2422G>T on transcript NM_001130438.3 (MANE Select); coding-DNA position 2422, G replaced by T.
Protein change: p.Ala808Ser; replaces alanine 808 with serine.
Molecular consequence: missense variant.
Genome position (GRCh38, 1-based): chr9:128,584,510, G>T. VCF-style: chr9-128584510-G-T. GRCh37 (hg19) VCF-style: chr9-131346789-G-T.
Other names: c.2422G>T, p.Ala808Ser (NM_001195532.2, NM_001363759.2, NM_001363765.2 and 5 more transcripts); c.2458G>T, p.Ala820Ser (NM_001375312.2, NM_001375318.1); short protein forms A820S, A808S.
Identifiers: ClinVar variation 1033315 (VCV001033315.1), dbSNP rs766491965, ClinGen allele CA375057703.
Genomic context (GRCh38, chr9:128,584,510, plus strand): 5'-CAGCTCTTCCGGGATGTTGAGGATGAGGAGACGTGGATTCGAGAGAAAGAGCCCATTGCC[G>T]CATCTACCAACAGAGGTCAGTCTGCTTCCCTCAGGTAGGAATCAACTTGGGAAAGGCTGT-3'
Protein context (NP_001123910.1, residues 798-818): TWIREKEPIA[Ala808Ser]STNRGKDLIG